The following is an entry in ClinVar:

ClinVar aggregate classification (germline): Uncertain significance (1 of 4 stars; one submission).

Conditions:
Branched-chain keto acid dehydrogenase kinase deficiency (BCKDKD). Also called: BCKDK DEFICIENCY. Identifiers: Orphanet 308410, MedGen C3554078, MONDO:0013970, OMIM 614923.

gnomAD v4.1: 3 of 1,613,852 alleles (0.00019%); highest among the groups gnomAD compares: Non-Finnish European, 0.00025%; no homozygotes.

Submission:

Labcorp Genetics (formerly Invitae), Labcorp
Classification: Uncertain significance for Branched-chain keto acid dehydrogenase kinase deficiency. Last evaluated: 2019-11-08. Review status: criteria provided, single submitter. Criteria: Invitae Variant Classification Sherloc (09022015). Collection method: clinical testing. Allele origin: germline.
Comment: This sequence change replaces isoleucine with threonine at codon 116 of the BCKDK protein (p.Ile116Thr). The isoleucine residue is highly conserved and there is a moderate physicochemical difference between isoleucine and threonine. This variant is not present in population databases (ExAC no frequency). This variant has not been reported in the literature in individuals with BCKDK-related conditions. Algorithms developed to predict the effect of missense changes on protein structure and function (SIFT, PolyPhen-2, Align-GVGD) all suggest that this variant is likely to be tolerated, but these predictions have not been confirmed by published functional studies and their clinical significance is uncertain. In summary, the available evidence is currently insufficient to determine the role of this variant in disease. Therefore, it has been classified as a Variant of Uncertain Significance.

NM_005881.4(BCKDK):c.347T>C (p.Ile116Thr)

Gene: BCKDK (branched chain keto acid dehydrogenase kinase; plus strand). Cytogenetic location: 16p11.2.
Variant type: single nucleotide variant.
Coding change: c.347T>C on transcript NM_005881.4 (MANE Select); coding-DNA position 347, T replaced by C.
Protein change: p.Ile116Thr; replaces isoleucine 116 with threonine.
Molecular consequence: missense variant.
Genome position (GRCh38, 1-based): chr16:31,109,755, T>C. VCF-style: chr16-31109755-T-C. GRCh37 (hg19) VCF-style: chr16-31121076-T-C.
Other names: c.347T>C, p.Ile116Thr (NM_001122957.4, NM_001271926.3); short protein forms I116T.
Identifiers: ClinVar variation 969568 (VCV000969568.10), dbSNP rs746459006, ClinGen allele CA395656911.
Genomic context (GRCh38, chr16:31,109,755, plus strand): 5'-AAGAACTTCCAGTGAGGATTGCTCACCGCATCAAGGGCTTCCGCTGCCTTCCTTTCATCA[T>C]TGGCTGCAACCCCACCATACTGCACGTGGTAAGGTAGAGAGGACCTTAGGTCAGCGGGCC-3'
Protein context (NP_005872.2, residues 106-126): IKGFRCLPFI[Ile116Thr]GCNPTILHVH